The following is an entry in ClinVar:

ClinVar aggregate classification (germline): Uncertain significance (1 of 4 stars; one submission).

Submission:

Labcorp Genetics (formerly Invitae), Labcorp
Classification: Uncertain significance. Last evaluated: 2021-11-22. Review status: criteria provided, single submitter. Criteria: Invitae Variant Classification Sherloc (09022015). Collection method: clinical testing. Allele origin: germline.
Comment: This variant has not been reported in the literature in individuals affected with TTC26-related conditions. In summary, the available evidence is currently insufficient to determine the role of this variant in disease. Therefore, it has been classified as a Variant of Uncertain Significance. Algorithms developed to predict the effect of missense changes on protein structure and function are either unavailable or do not agree on the potential impact of this missense change (SIFT: "Deleterious"; PolyPhen-2: "Benign"; Align-GVGD: "Class C0"). This variant is not present in population databases (gnomAD no frequency). This sequence change replaces isoleucine, which is neutral and non-polar, with threonine, which is neutral and polar, at codon 540 of the TTC26 protein (p.Ile540Thr).

NM_024926.4(IFT56):c.1619T>C (p.Ile540Thr)

Gene: IFT56 (intraflagellar transport 56; plus strand). Cytogenetic location: 7q34.
Variant type: single nucleotide variant.
Coding change: c.1619T>C on transcript NM_024926.4 (MANE Select); coding-DNA position 1619, T replaced by C.
Protein change: p.Ile540Thr; replaces isoleucine 540 with threonine.
Molecular consequence: missense variant. On other transcripts: 3 prime UTR variant (1).
Genome position (GRCh38, 1-based): chr7:139,189,386, T>C. VCF-style: chr7-139189386-T-C. GRCh37 (hg19) VCF-style: chr7-138874132-T-C.
Other names: c.*21T>C (NM_001144920.3); c.1526T>C, p.Ile509Thr (NM_001144923.3); c.1226T>C, p.Ile409Thr (NM_001287512.2); c.1304T>C, p.Ile435Thr (NM_001287513.2); c.1199T>C, p.Ile400Thr (NM_001318333.2); c.1589T>C, p.Ile530Thr (NM_001321740.2); c.1301T>C, p.Ile434Thr (NM_001321741.2); short protein forms I409T, I434T, I509T, I400T, I530T, I540T, I435T.
Identifiers: ClinVar variation 1388660 (VCV001388660.4), dbSNP rs1795376533, ClinGen allele CA369407918.